The following is an entry in ClinVar:

NM_002693.3(POLG):c.3187A>G (p.Ser1063Gly)

Gene: POLG (DNA polymerase gamma, catalytic subunit; minus strand). Cytogenetic location: 15q26.1.
Variant type: single nucleotide variant.
Coding change: c.3187A>G on transcript NM_002693.3 (MANE Select); coding-DNA position 3187, A replaced by G.
Protein change: p.Ser1063Gly; replaces serine 1063 with glycine.
Molecular consequence: missense variant.
Genome position (GRCh38, 1-based): chr15:89,319,017, T>C on the plus strand (A>G on the coding strand, the complement: POLG is on the minus strand). VCF-style: chr15-89319017-T-C. GRCh37 (hg19) VCF-style: chr15-89862248-T-C.
Other names: c.3187A>G, p.Ser1063Gly (NM_001126131.2); short protein forms S1063G.
Identifiers: ClinVar variation 3013329 (VCV003013329.3), dbSNP rs2055353028, ClinGen allele CA393750778.

ClinVar aggregate classification (germline): Uncertain significance (1 of 4 stars; one submission).

Conditions:
Progressive sclerosing poliodystrophy (MTDPS4A). Also called: Mitochondrial DNA Depletion Syndrome 4A; ALPERS PROGRESSIVE INFANTILE POLIODYSTROPHY; NEURONAL DEGENERATION OF CHILDHOOD WITH LIVER DISEASE, PROGRESSIVE; Mitochondrial DNA depletion syndrome 4A (Alpers type); Alpers Syndrome; ALPERS DIFFUSE DEGENERATION OF CEREBRAL GRAY MATTER WITH HEPATIC CIRRHOSIS. Identifiers: Orphanet 726, MedGen C0205710, MONDO:0008758, OMIM 203700.

Allele frequency attached by ClinVar (database versions not stated): TOPMed below 0.00001.

Submission:

Labcorp Genetics (formerly Invitae), Labcorp
Classification: Uncertain significance for Progressive sclerosing poliodystrophy. Last evaluated: 2023-08-17. Review status: criteria provided, single submitter. Criteria: Invitae Variant Classification Sherloc (09022015). Collection method: clinical testing. Allele origin: germline.
Comment: In summary, the available evidence is currently insufficient to determine the role of this variant in disease. Therefore, it has been classified as a Variant of Uncertain Significance. Advanced modeling of protein sequence and biophysical properties (such as structural, functional, and spatial information, amino acid conservation, physicochemical variation, residue mobility, and thermodynamic stability) performed at Invitae indicates that this missense variant is expected to disrupt POLG protein function. This variant has not been reported in the literature in individuals affected with POLG-related conditions. This variant is not present in population databases (gnomAD no frequency). This sequence change replaces serine, which is neutral and polar, with glycine, which is neutral and non-polar, at codon 1063 of the POLG protein (p.Ser1063Gly).